The following is an entry in ClinVar:

ClinVar aggregate classification (germline): Uncertain significance. Review status: criteria provided, multiple submitters, no conflicts (2 of 4 stars). 2 submissions from 2 submitters: Uncertain significance (2). Last evaluated 2022-12-02.

Conditions:
Congenital myasthenic syndrome 8. Also called: Myasthenic syndrome, congenital, 8, with pre- and postsynaptic defects; MYASTHENIC SYNDROME, CONGENITAL, DUE TO AGRIN DEFICIENCY. Identifiers: Orphanet 590, MedGen C3808739, MONDO:0014052, OMIM 615120.
Inborn genetic diseases. Identifiers: MedGen C0950123, MeSH D030342.

Allele frequency attached by ClinVar (database versions not stated): ExAC 0.00001; gnomAD exomes 0.00001; gnomAD 0.00003.
gnomAD v4.1: 13 of 1,613,906 alleles (0.00081%); highest among the groups gnomAD compares: South Asian, 0.011%; no homozygotes.

Submissions (2):

Ambry Genetics
Classification: Uncertain significance for Inborn genetic diseases. Last evaluated: 2022-12-02. Review status: criteria provided, single submitter. Criteria: Ambry Variant Classification Scheme 2023. Collection method: clinical testing. Allele origin: germline.

Labcorp Genetics (formerly Invitae), Labcorp
Classification: Uncertain significance for Congenital myasthenic syndrome 8. Last evaluated: 2022-09-27. Review status: criteria provided, single submitter. Criteria: Invitae Variant Classification Sherloc (09022015). Collection method: clinical testing. Allele origin: germline.
Comment: In summary, the available evidence is currently insufficient to determine the role of this variant in disease. Therefore, it has been classified as a Variant of Uncertain Significance. Algorithms developed to predict the effect of missense changes on protein structure and function output the following: SIFT: "Tolerated"; PolyPhen-2: "Possibly Damaging"; Align-GVGD: "Class C0". The alanine amino acid residue is found in multiple mammalian species, which suggests that this missense change does not adversely affect protein function. This variant has not been reported in the literature in individuals affected with AGRN-related conditions. This variant is present in population databases (rs747910768, gnomAD 0.005%). This sequence change replaces glutamic acid, which is acidic and polar, with alanine, which is neutral and non-polar, at codon 930 of the AGRN protein (p.Glu930Ala).

NM_198576.4(AGRN):c.2789A>C (p.Glu930Ala)

Gene: AGRN (agrin; plus strand). Cytogenetic location: 1p36.33.
Variant type: single nucleotide variant.
Coding change: c.2789A>C on transcript NM_198576.4 (MANE Select); coding-DNA position 2789, A replaced by C.
Protein change: p.Glu930Ala; replaces glutamic acid 930 with alanine.
Molecular consequence: missense variant.
Genome position (GRCh38, 1-based): chr1:1,046,072, A>C. VCF-style: chr1-1046072-A-C. GRCh37 (hg19) VCF-style: chr1-981452-A-C.
Other names: c.2789A>C (NM_198576.3); c.2789A>C, p.Glu930Ala (NM_001305275.2); c.2474A>C, p.Glu825Ala (NM_001364727.2); short protein forms E930A, E825A.
Identifiers: ClinVar variation 2153720 (VCV002153720.5), dbSNP rs747910768, ClinGen allele CA508804.